The following is an entry in ClinVar:

NM_017436.7(A4GALT):c.43G>A (p.Ala15Thr)

Gene: A4GALT (alpha 1,4-galactosyltransferase (P1PK blood group); minus strand). Cytogenetic location: 22q13.2.
Variant type: single nucleotide variant.
Coding change: c.43G>A on transcript NM_017436.7 (MANE Select); coding-DNA position 43, G replaced by A.
Protein change: p.Ala15Thr; replaces alanine 15 with threonine.
Molecular consequence: missense variant.
Genome position (GRCh38, 1-based): chr22:42,693,909, C>T on the plus strand (G>A on the coding strand, the complement: A4GALT is on the minus strand). VCF-style: chr22-42693909-C-T. GRCh37 (hg19) VCF-style: chr22-43089915-C-T.
Other names: c.43G>A, p.Ala15Thr (NM_001318038.3); short protein forms A15T.
Identifiers: ClinVar variation 3659136 (VCV003659136.2).

ClinVar aggregate classification (germline): Uncertain significance (1 of 4 stars; one submission).

gnomAD v4.1: 4 of 1,606,176 alleles (0.00025%); highest among the groups gnomAD compares: Admixed American, 0.0017%; no homozygotes.

Submission:

Labcorp Genetics (formerly Invitae), Labcorp
Classification: Uncertain significance. Last evaluated: 2024-03-13. Review status: criteria provided, single submitter. Criteria: Invitae Variant Classification Sherloc (09022015). Collection method: clinical testing. Allele origin: germline.
Comment: This sequence change replaces alanine, which is neutral and non-polar, with threonine, which is neutral and polar, at codon 15 of the A4GALT protein (p.Ala15Thr). The frequency data for this variant in the population databases is considered unreliable, as metrics indicate poor data quality at this position in the gnomAD database. This variant has not been reported in the literature in individuals affected with A4GALT-related conditions. Algorithms developed to predict the effect of missense changes on protein structure and function output the following: SIFT: "Not Available"; PolyPhen-2: "Benign"; Align-GVGD: "Not Available". The threonine amino acid residue is found in multiple mammalian species, which suggests that this missense change does not adversely affect protein function. In summary, the available evidence is currently insufficient to determine the role of this variant in disease. Therefore, it has been classified as a Variant of Uncertain Significance.